The following is an entry in ClinVar:

NM_000135.4(FANCA):c.3215dup (p.Arg1073fs)

Gene: FANCA (FA complementation group A; minus strand). Cytogenetic location: 16q24.3.
Variant type: Duplication.
Coding change: c.3215dup on transcript NM_000135.4 (MANE Select); coding-DNA position 3215, one base duplicated (A; older notation c.3215dupA).
Protein change: p.Arg1073fs; shifts the reading frame from arginine 1073.
Molecular consequence: frameshift variant.
Genome position (GRCh38, 1-based): chr16:89,749,754, T duplicated on the plus strand (A on the coding strand, the reverse complement: FANCA is on the minus strand). VCF-style (leftmost placement, unchanged base first): chr16-89749753-C-CT. GRCh37 (hg19) VCF-style: chr16-89816161-C-CT.
Other names: c.3215dup, p.Arg1073fs (NM_001286167.3); short protein forms R1073fs.
Identifiers: ClinVar variation 4817530 (VCV004817530.1).

ClinVar aggregate classification (germline): Likely pathogenic (1 of 4 stars; one submission).

Conditions:
Fanconi anemia (FA). Also called: Fanconi's anemia. Identifiers: Orphanet 84, MedGen C0015625, MeSH D005199, MONDO:0019391.

Submission:

Natera, Inc.
Classification: Likely pathogenic for Fanconi anemia. Last evaluated: 2025-08-11. Review status: criteria provided, single submitter. Criteria: Natera Variant Classification Schema (03/2026). Collection method: clinical testing. Allele origin: germline.
Comment: The c.3215dup variant in FANCA is a frameshift variant predicted to shift the reading frame beginning at codon 1073 and leads to a stop codon 43 codons downstream. This variant is expected to result in nonsense mediated decay, truncation, or a dysfunctional protein product. This variant is rare in the general population with a frequency below the threshold expected for the associated phenotype(s). Given the available evidence, this variant is classified as Likely Pathogenic.